The following continues an entry in ClinVar:

NM_001040142.2(SCN2A):c.4886G>A (p.Arg1629His)

Gene: SCN2A. ClinVar aggregate classification (germline): Pathogenic/Likely pathogenic. Pathogenic (10); Likely pathogenic (2).

Submissions 12 to 14 of 14:

Neuberg Centre For Genomic Medicine, NCGM
Classification: Likely pathogenic for Developmental and epileptic encephalopathy, 11. Review status: criteria provided, single submitter. Criteria: ACMG Guidelines, 2015. Collection method: clinical testing. Allele origin: germline. Inheritance: Autosomal dominant inheritance. Affected: yes.
Comment: The c.4886G>A (p.Arg1629His) missense variant in SCN2A gene has been reported in an individual with neonatal seizures and severe intellectual disability (Wolff et al., 2017). The variant has also been reported in a child with neonatal onset of multifocal seizures and developmental delay (Sandu et al., 2017). The p.Arg1629His variant is novel (not in any individuals) in gnomAD Exomes and 1000 Genomes. The amino acid Arg at position 1629 is changed to a His changing protein sequence and it might alter its composition and physico-chemical properties. This substitution is predicted to be within the transmembrane segment S4 voltage sensor of the fourth homologous domain. In-silico analyses, including protein predictors and evolutionary conservation, support a deleterious effect. This variant has been submitted to ClinVar with varying interpretations: Pathogenic/ Likely Pathogenic/Uncertain Significance. The amino acid change p.Arg1629His in SCN2A is predicted as conserved by GERP++ and PhyloP across 100 vertebrates. Missense variants at the same residue and in nearby residues have been reported in the Human Gene Mutation Database in individuals with SCN2A-related disorders (Nakamura et al., 2013; Nashabat et al., 2019). For these reasons, this variant has been classified as Likely Pathogenic.

Neurology Department, Shenzhen Children's Hospital
Classification: Pathogenic for Early-infantile DEE. Last evaluated: 2022-02-16. Review status: no assertion criteria provided. Collection method: clinical testing. Allele origin: de novo. Affected: yes. Observed: 2 variant alleles. Not counted in ClinVar's aggregate classification.

Department of Neurology, Children’s Hospital of Chongqing Medical University
Classification: Likely pathogenic for epilepsy with migrating focal seizures of infancy. Review status: no assertion criteria provided. Criteria: ACMG Guidelines, 2015. Collection method: research. Allele origin: de novo. Affected: yes. Not counted in ClinVar's aggregate classification.

Literature cited by the submitters: PubMed 32411386 (cited by Women's Health and Genetics/Laboratory Corporation of America, LabCorp and New York Genome Center); PubMed 34894057 (cited by Women's Health and Genetics/Laboratory Corporation of America, LabCorp); PubMed 35431799 (cited by Women's Health and Genetics/Laboratory Corporation of America, LabCorp and New York Genome Center); PubMed 28379373 (cited by 4 submitters); PubMed 29100083 (cited by 3 submitters); PubMed 30619928 (cited by 4 submitters); PubMed 31054490 (cited by Labcorp Genetics (formerly Invitae), Labcorp and Illumina Laboratory Services, Illumina); PubMed 29930392 (cited by New York Genome Center); PubMed 23935176 (cited by Ambry Genetics and Cytogénomique, Hospices Civils de Lyon); PubMed 31302675 (cited by Ambry Genetics).